The following is an entry in ClinVar:

ClinVar aggregate classification (germline): Conflicting classifications of pathogenicity. Review status: criteria provided, conflicting classifications (1 of 4 stars). 2 submissions from 2 submitters: Likely pathogenic (1); Uncertain significance (1). Last evaluated 2025-05-12.

Conditions:
Neurodevelopmental disorder with or without hyperkinetic movements and seizures, autosomal dominant. Also called: Intellectual disability, autosomal dominant 8. Identifiers: MedGen C3280282, MONDO:0013655, OMIM 614254.

Submissions (2):

Victorian Clinical Genetics Services, Murdoch Childrens Research Institute
Classification: Likely pathogenic for Neurodevelopmental disorder with or without hyperkinetic movements and seizures, autosomal dominant. Last evaluated: 2025-05-12. Review status: criteria provided, single submitter. Criteria: ACMG Guidelines, 2015. Collection method: clinical testing. Allele origin: germline. Affected: yes.
Comment: This variant is classified as Likely pathogenic. Evidence in support of pathogenic classification: Variant is absent from gnomAD (v2, v3 and v4); Missense variant in a region that is highly intolerant to missense variation (high constraint region in DECIPHER); Evidence in support of benign classification: Missense variant predicted to be tolerated by in silico tool(s) or not conserved in placental mammals with a minor amino acid change. Additional information: Variant is predicted to result in a missense amino acid change from leucine to valine; This variant is heterozygous; This gene is associated with both recessive and dominant disease. Missense variants located in the N-terminal domain and NMD-predicted variants tend to be associated with autosomal recessive disease and a loss of function mechanism. Missense variants with gain of function or dominant negative consequences on protein function, usually found in the C-terminal domain, tend to be associated with dominant disease (PMIDs: 27164704, 29365063; OMIM); Previous evidence of pathogenicity for this variant is inconclusive. This variant has been classified as a VUS by a clinical laboratory in ClinVar; No published segregation evidence has been identified for this variant; No published functional evidence has been identified for this variant; No comparable missense variants have previous evidence for pathogenicity; Dominant negative, loss of function and gain of function are reported mechanisms of disease in this gene and have been associated with both autosomal dominant and recessive neurodevelopmental disorder with or without hyperkinetic movements and seizures (MIM#614254, MIM#617820).

Labcorp Genetics (formerly Invitae), Labcorp
Classification: Uncertain significance for Neurodevelopmental disorder with or without hyperkinetic movements and seizures, autosomal dominant. Last evaluated: 2022-09-22. Review status: criteria provided, single submitter. Criteria: Invitae Variant Classification Sherloc (09022015). Collection method: clinical testing. Allele origin: germline.
Comment: This variant is not present in population databases (gnomAD no frequency). This variant has not been reported in the literature in individuals affected with GRIN1-related conditions. Advanced modeling of protein sequence and biophysical properties (such as structural, functional, and spatial information, amino acid conservation, physicochemical variation, residue mobility, and thermodynamic stability) has been performed at Invitae for this missense variant, however the output from this modeling did not meet the statistical confidence thresholds required to predict the impact of this variant on GRIN1 protein function. In summary, the available evidence is currently insufficient to determine the role of this variant in disease. Therefore, it has been classified as a Variant of Uncertain Significance. This sequence change replaces leucine, which is neutral and non-polar, with valine, which is neutral and non-polar, at codon 808 of the GRIN1 protein (p.Leu808Val).

Literature cited by the submitters: PubMed 27164704 (cited by Victorian Clinical Genetics Services, Murdoch Childrens Research Institute); PubMed 29365063 (cited by Victorian Clinical Genetics Services, Murdoch Childrens Research Institute).

NM_007327.4(GRIN1):c.2422C>G (p.Leu808Val)

Gene: GRIN1 (glutamate ionotropic receptor NMDA type subunit 1; plus strand). Cytogenetic location: 9q34.3.
Variant type: single nucleotide variant.
Coding change: c.2422C>G on transcript NM_007327.4 (MANE Select); coding-DNA position 2422, C replaced by G.
Protein change: p.Leu808Val; replaces leucine 808 with valine.
Molecular consequence: missense variant.
Genome position (GRCh38, 1-based): chr9:137,163,647, C>G. VCF-style: chr9-137163647-C-G. GRCh37 (hg19) VCF-style: chr9-140058099-C-G.
Other names: c.2422C>G, p.Leu808Val (NM_000832.7, NM_021569.4); c.2485C>G, p.Leu829Val (NM_001185090.2, NM_001185091.2); short protein forms L808V, L829V.
Identifiers: ClinVar variation 1719533 (VCV001719533.8), dbSNP rs2538648271, ClinGen allele CA375725851.
Genomic context (GRCh38, chr9:137,163,647, plus strand): 5'-CTGGACAAGACGTGGGTTCGGTATCAGGAATGTGACTCGCGCAGCAACGCCCCTGCGACC[C>G]TTACTTTTGAGAACATGGCCGGTGCGTTCTCCTTCATCCATTCTCGGGTGGGTTCTCCGT-3'
Protein context (NP_015566.1, residues 798-818): CDSRSNAPAT[Leu808Val]TFENMAGVFM